The following is an entry in ClinVar:

ClinVar aggregate classification (germline): Uncertain significance. Review status: criteria provided, multiple submitters, no conflicts (2 of 4 stars). 2 submissions from 2 submitters: Uncertain significance (2). Last evaluated 2026-03-23.

Conditions:
EP300-related disorder. Also called: EP300-related condition; EP300-related disorders.

Submissions (2):

PreventionGenetics, part of Exact Sciences
Classification: Uncertain significance for EP300-related condition. Last evaluated: 2026-03-23. Review status: criteria provided, single submitter. Criteria: ACMG Guidelines, 2015. Collection method: clinical testing. Allele origin: germline.
Comment: The EP300 c.5568_5576del9 variant is predicted to result in an in-frame deletion (p.Thr1857_Thr1859del). To our knowledge, this variant has not been reported in the literature or in a large population database (gnomAD), indicating this variant is rare. At this time, the clinical significance of this variant is uncertain due to the absence of conclusive functional and genetic evidence.

GeneDx
Classification: Uncertain significance. Last evaluated: 2024-09-10. Review status: criteria provided, single submitter. Criteria: GeneDx Variant Classification Process June 2021. Collection method: clinical testing. Allele origin: germline. Affected: yes.
Comment: Not observed at significant frequency in large population cohorts (gnomAD); In-frame deletion of 3 amino acids in a non-repeat region; In silico analysis indicates that this variant does not alter protein structure/function; Has not been previously published as pathogenic or benign to our knowledge

NM_001429.4(EP300):c.5568_5576del (p.1854TPT[1])

Gene: EP300 (EP300 lysine acetyltransferase; plus strand). Cytogenetic location: 22q13.2.
Variant type: Deletion.
Coding change: c.5568_5576del on transcript NM_001429.4 (MANE Select); coding-DNA positions 5568 to 5576, 9 bases deleted (GACACCAAC; older notation c.5568_5576delGACACCAAC).
Protein change: p.1854TPT[1].
Genome position (GRCh38, 1-based): chr22:41,177,279-41,177,287, GACACCAAC deleted; deleting any 9 consecutive bases within chr22:41,177,274-41,177,287 gives the same sequence; the c. name uses the placement nearest the transcript's 3' end. VCF-style (leftmost placement, unchanged base first): chr22-41177273-TCCAACGACA-T. GRCh37 (hg19) VCF-style: chr22-41573277-TCCAACGACA-T.
Other names: c.5490_5498del, p.1828TPT[1] (NM_001362843.2); c.5568_5576del9 (NM_001429.3).
Identifiers: ClinVar variation 3767804 (VCV003767804.2).
Genomic context (GRCh38, chr22:41,177,273, plus strand): 5'-CATGCAGCGGACTGGTGTGGTTGGGCAGCAACAGGGCCTCCCTTCCCCCACTCCTGCCAC[TCCAACGACA>T]CCAACTGGCCAACAGCCAACCACCCCGCAGACGCCCCAGCCCACTTCTCAGCCTCAGCCT-3'